The following is an entry in ClinVar:

ClinVar aggregate classification (germline): Uncertain significance. Review status: criteria provided, multiple submitters, no conflicts (2 of 4 stars). 2 submissions from 2 submitters: Uncertain significance (2). Last evaluated 2025-08-30.

Conditions:
Cardiomyopathy (CMYO). Also called: Cardiomyopathies. Identifiers: Orphanet 167848, MedGen C0878544, MONDO:0004994, HP:0001638. Inheritance: Various modes of inheritance.
Hypertrophic cardiomyopathy. Also called: HYPERTROPHIC MYOCARDIOPATHY. Identifiers: Orphanet 217569, MedGen C0007194, MeSH D002312, MONDO:0005045, HP:0001639.

Allele frequency attached by ClinVar (database versions not stated): gnomAD exomes below 0.00001.
gnomAD v4.1: 1 of 1,597,940 alleles (0.000063%); highest among the groups gnomAD compares: Non-Finnish European, 0.000085%; no homozygotes.

Submissions (2):

Color Diagnostics, LLC DBA Color Health
Classification: Uncertain significance for Cardiomyopathy. Last evaluated: 2025-08-30. Review status: criteria provided, single submitter. Criteria: ACMG Guidelines, 2015. Collection method: clinical testing. Allele origin: germline.
Comment: This missense variant replaces proline with threonine at codon 8 of the MYBPC3 protein. Computational prediction suggests that this variant may not impact protein structure and function. To our knowledge, functional studies have not been reported for this variant. This variant has not been reported in individuals affected with MYBPC3-related disorders in the literature. This variant has not been identified in the general population by the Genome Aggregation Database (gnomAD). The available evidence is insufficient to determine the role of this variant in disease conclusively. Therefore, this variant is classified as a Variant of Uncertain Significance.

Labcorp Genetics (formerly Invitae), Labcorp
Classification: Uncertain significance for Hypertrophic cardiomyopathy. Last evaluated: 2023-06-25. Review status: criteria provided, single submitter. Criteria: Invitae Variant Classification Sherloc (09022015). Collection method: clinical testing. Allele origin: germline.
Comment: This variant has not been reported in the literature in individuals affected with MYBPC3-related conditions. This sequence change replaces proline, which is neutral and non-polar, with threonine, which is neutral and polar, at codon 8 of the MYBPC3 protein (p.Pro8Thr). This variant is not present in population databases (gnomAD no frequency). ClinVar contains an entry for this variant (Variation ID: 947901). Algorithms developed to predict the effect of missense changes on protein structure and function output the following: SIFT: "Not Available"; PolyPhen-2: "Benign"; Align-GVGD: "Not Available". The threonine amino acid residue is found in multiple mammalian species, which suggests that this missense change does not adversely affect protein function. In summary, the available evidence is currently insufficient to determine the role of this variant in disease. Therefore, it has been classified as a Variant of Uncertain Significance.

NM_000256.3(MYBPC3):c.22C>A (p.Pro8Thr)

Gene: MYBPC3 (myosin binding protein C3; minus strand). Cytogenetic location: 11p11.2.
Variant type: single nucleotide variant.
Coding change: c.22C>A on transcript NM_000256.3 (MANE Select); coding-DNA position 22, C replaced by A.
Protein change: p.Pro8Thr; replaces proline 8 with threonine.
Molecular consequence: missense variant.
Genome position (GRCh38, 1-based): chr11:47,352,626, G>T on the plus strand (C>A on the coding strand, the complement: MYBPC3 is on the minus strand). VCF-style: chr11-47352626-G-T. GRCh37 (hg19) VCF-style: chr11-47374177-G-T.
Other names: short protein forms P8T.
Identifiers: ClinVar variation 947901 (VCV000947901.9), dbSNP rs2095901975, ClinGen allele CA380342736.